The following is an entry in ClinVar:

ClinVar aggregate classification (germline): Pathogenic (1 of 4 stars; one submission).

Submission:

GeneDx
Classification: Pathogenic. Last evaluated: 2017-12-22. Review status: criteria provided, single submitter. Criteria: GeneDx Variant Classification (06012015). Collection method: clinical testing. Allele origin: germline. Affected: yes.
Comment: The Y230X nonsense pathogenic variant in the KRIT1 gene has been reported previously in association with CCM (CavÃ©-Riant et al., 2002). This variant is predicted to cause loss of normal protein function either through protein truncation or nonsense-mediated mRNA decay. The variant is not observed in large population cohorts (Lek et al., 2016). In summary, we consider this variant to be pathogenic.

NM_194454.3(KRIT1):c.690C>G (p.Tyr230Ter)

Gene: KRIT1 (KRIT1 ankyrin repeat containing; minus strand). Cytogenetic location: 7q21.2.
Variant type: single nucleotide variant.
Coding change: c.690C>G on transcript NM_194454.3 (MANE Select); coding-DNA position 690, C replaced by G.
Protein change: p.Tyr230Ter; replaces tyrosine 230 with a stop codon.
Molecular consequence: nonsense. On other transcripts: intron variant (1).
Genome position (GRCh38, 1-based): chr7:92,235,442, G>C on the plus strand (C>G on the coding strand, the complement: KRIT1 is on the minus strand). VCF-style: chr7-92235442-G-C. GRCh37 (hg19) VCF-style: chr7-91864756-G-C.
Other names: c.690C>G, p.Tyr230Ter (NM_001350689.1, NM_001350690.1, NM_001350691.1 and 29 more transcripts); c.15+92C>G (NM_001350671.1); short protein forms Y230*.
Identifiers: ClinVar variation 488784 (VCV000488784.1), dbSNP rs1554528662, ClinGen allele CA368159661.